The following is an entry in ClinVar:

NM_130837.3(OPA1):c.2644G>A (p.Glu882Lys)

Gene: OPA1 (OPA1 mitochondrial dynamin like GTPase; plus strand). Cytogenetic location: 3q29.
Variant type: single nucleotide variant.
Coding change: c.2644G>A on transcript NM_130837.3 (MANE Select); coding-DNA position 2644, G replaced by A.
Protein change: p.Glu882Lys; replaces glutamic acid 882 with lysine.
Molecular consequence: missense variant.
Genome position (GRCh38, 1-based): chr3:193,662,945, G>A. VCF-style: chr3-193662945-G-A. GRCh37 (hg19) VCF-style: chr3-193380734-G-A.
Other names: c.2110G>A, p.Glu704Lys (NM_001354663.2); c.2107G>A, p.Glu703Lys (NM_001354664.2); c.2479G>A, p.Glu827Lys (NM_015560.3); c.2371G>A, p.Glu791Lys (NM_130831.3); c.2425G>A, p.Glu809Lys (NM_130832.3); c.2482G>A, p.Glu828Lys (NM_130833.3); c.2533G>A, p.Glu845Lys (NM_130834.3); c.2536G>A, p.Glu846Lys (NM_130835.3); and 1 more; short protein forms E703K, E704K, E791K, E809K, E827K, E828K, E845K, E846K.
Identifiers: ClinVar variation 1318668 (VCV001318668.2), dbSNP rs765208285, ClinGen allele CA2759711.

ClinVar aggregate classification (germline): Uncertain significance (1 of 4 stars; one submission).

Allele frequency attached by ClinVar (database versions not stated): gnomAD exomes 0.00001 and 0.00002; ExAC 0.00003.
gnomAD v4.1: 4 of 1,613,632 alleles (0.00025%); highest among the groups gnomAD compares: Non-Finnish European, 0.00034%; no homozygotes.

Submission:

GeneDx
Classification: Uncertain significance. Last evaluated: 2020-10-29. Review status: criteria provided, single submitter. Criteria: GeneDx Variant Classification Process June 2021. Collection method: clinical testing. Allele origin: germline. Affected: yes.
Comment: Not observed at a significant frequency in large population cohorts (Lek et al., 2016); In silico analysis supports that this missense variant has a deleterious effect on protein structure/function; In-silico analysis, which includes splice predictors and evolutionary conservation, is inconclusive as to whether the variant alters gene splicing. In the absence of RNA/functional studies, the actual effect of this sequence change is unknown.; Has not been previously published as pathogenic or benign to our knowledge